The following is an entry in ClinVar:

NM_000063.6(C2):c.2140C>T (p.Arg714Cys)

Gene: C2 (complement C2; plus strand). Cytogenetic location: 6p21.33.
Variant type: single nucleotide variant.
Coding change: c.2140C>T on transcript NM_000063.6 (MANE Select); coding-DNA position 2140, C replaced by T.
Protein change: p.Arg714Cys; replaces arginine 714 with cysteine.
Molecular consequence: missense variant.
Genome position (GRCh38, 1-based): chr6:31,945,238, C>T. VCF-style: chr6-31945238-C-T. GRCh37 (hg19) VCF-style: chr6-31913015-C-T.
Other names: c.1744C>T, p.Arg582Cys (NM_001145903.3); c.1498C>T, p.Arg500Cys (NM_001178063.3); c.1402C>T, p.Arg468Cys (NM_001282457.2); c.2053C>T, p.Arg685Cys (NM_001282458.2); short protein forms R685C, R500C, R468C, R582C, R714C.
Identifiers: ClinVar variation 2997774 (VCV002997774.3), dbSNP rs748385135, ClinGen allele CA3727891.

ClinVar aggregate classification (germline): Uncertain significance. Review status: criteria provided, multiple submitters, no conflicts (2 of 4 stars). 2 submissions from 2 submitters: Uncertain significance (2). Last evaluated 2025-12-02.

Allele frequency attached by ClinVar (database versions not stated): ExAC 0.00003; gnomAD 0.00002; gnomAD exomes 0.00002; TOPMed 0.00002.
gnomAD v4.1: 34 of 1,612,852 alleles (0.0021%); highest among the groups gnomAD compares: South Asian, 0.0033%; no homozygotes.

Submissions (2):

Ambry Genetics
Classification: Uncertain significance. Last evaluated: 2025-12-02. Review status: criteria provided, single submitter. Criteria: Ambry Variant Classification Scheme 2023. Collection method: clinical testing. Allele origin: germline.

Labcorp Genetics (formerly Invitae), Labcorp
Classification: Uncertain significance. Last evaluated: 2024-01-31. Review status: criteria provided, single submitter. Criteria: Invitae Variant Classification Sherloc (09022015). Collection method: clinical testing. Allele origin: germline.
Comment: This sequence change replaces arginine, which is basic and polar, with cysteine, which is neutral and slightly polar, at codon 714 of the C2 protein (p.Arg714Cys). This variant is present in population databases (rs748385135, gnomAD 0.007%). This variant has not been reported in the literature in individuals affected with C2-related conditions. An algorithm developed to predict the effect of missense changes on protein structure and function (PolyPhen-2) suggests that this variant¬¨‚Ä†is likely to be tolerated. In summary, the available evidence is currently insufficient to determine the role of this variant in disease. Therefore, it has been classified as a Variant of Uncertain Significance.